The following is an entry in ClinVar:

NM_002655.3(PLAG1):c.645T>A (p.Cys215Ter)

Genes: PLAG1 (PLAG1 zinc finger; minus strand), LOC126860395 (BRD4-independent group 4 enhancer GRCh37_chr8:57079228-57080427; plus strand). Cytogenetic location: 8q12.1.
Variant type: single nucleotide variant.
Coding change: c.645T>A on transcript NM_002655.3 (MANE Select); coding-DNA position 645, T replaced by A.
Protein change: p.Cys215Ter; replaces cysteine 215 with a stop codon.
Molecular consequence: nonsense.
Genome position (GRCh38, 1-based): chr8:56,167,101, A>T on the plus strand (T>A on the coding strand, the complement: PLAG1 is on the minus strand). VCF-style: chr8-56167101-A-T. GRCh37 (hg19) VCF-style: chr8-57079660-A-T.
Other names: c.645T>A, p.Cys215Ter (NM_001114634.2); c.399T>A, p.Cys133Ter (NM_001114635.2); short protein forms C215*, C133*.
Identifiers: ClinVar variation 3419850 (VCV003419850.1).

ClinVar aggregate classification (germline): Likely pathogenic (1 of 4 stars; one submission).

Conditions:
Inborn genetic diseases. Identifiers: MedGen C0950123, MeSH D030342.

Submission:

Ambry Genetics
Classification: Likely pathogenic for Inborn genetic diseases. Last evaluated: 2024-09-23. Review status: criteria provided, single submitter. Criteria: Ambry Variant Classification Scheme 2023. Collection method: clinical testing. Allele origin: germline.
Comment: The c.645T>A (p.C215*) alteration, located in exon 5 (coding exon 2) of the PLAG1 gene, consists of a T to A substitution at nucleotide position 645. This changes the amino acid from a cysteine (C) to a stop codon at amino acid position 215. This alteration occurs at the 3' terminus of the PLAG1 gene, is not expected to trigger nonsense-mediated mRNA decay, and impacts the last 57.2% of the protein. Premature stop codons are typically deleterious in nature. However, loss-of-function of PLAG1 has not been established as a mechanism of disease. This variant was not reported in population-based cohorts in the Genome Aggregation Database (gnomAD). Based on the available evidence, this alteration is classified as likely pathogenic.